The following is an entry in ClinVar:

ClinVar aggregate classification (germline): Uncertain significance (1 of 4 stars; one submission).

Allele frequency attached by ClinVar (database versions not stated): gnomAD exomes below 0.00001; TOPMed 0.00001.
gnomAD v4.1: 2 of 1,614,010 alleles (0.00012%); highest among the groups gnomAD compares: African/African-American, 0.0013%; no homozygotes.

Submission:

Labcorp Genetics (formerly Invitae), Labcorp
Classification: Uncertain significance. Last evaluated: 2023-12-06. Review status: criteria provided, single submitter. Criteria: Invitae Variant Classification Sherloc (09022015). Collection method: clinical testing. Allele origin: germline.
Comment: This sequence change replaces alanine, which is neutral and non-polar, with glycine, which is neutral and non-polar, at codon 804 of the EPHA4 protein (p.Ala804Gly). This variant is not present in population databases (gnomAD no frequency). This variant has not been reported in the literature in individuals affected with EPHA4-related conditions. Advanced modeling of protein sequence and biophysical properties (such as structural, functional, and spatial information, amino acid conservation, physicochemical variation, residue mobility, and thermodynamic stability) performed at Invitae indicates that this missense variant is expected to disrupt EPHA4 protein function with a positive predictive value of 80%. In summary, the available evidence is currently insufficient to determine the role of this variant in disease. Therefore, it has been classified as a Variant of Uncertain Significance.

NM_004438.5(EPHA4):c.2411C>G (p.Ala804Gly)

Gene: EPHA4 (EPH receptor A4; minus strand). Cytogenetic location: 2q36.1.
Variant type: single nucleotide variant.
Coding change: c.2411C>G on transcript NM_004438.5 (MANE Select); coding-DNA position 2411, C replaced by G.
Protein change: p.Ala804Gly; replaces alanine 804 with glycine.
Molecular consequence: missense variant.
Genome position (GRCh38, 1-based): chr2:221,434,227, G>C on the plus strand (C>G on the coding strand, the complement: EPHA4 is on the minus strand). VCF-style: chr2-221434227-G-C. GRCh37 (hg19) VCF-style: chr2-222298947-G-C.
Other names: c.2411C>G, p.Ala804Gly (NM_001304536.2, NM_001363748.2); c.2258C>G, p.Ala753Gly (NM_001304537.2); short protein forms A753G, A804G.
Identifiers: ClinVar variation 2984885 (VCV002984885.3), dbSNP rs1690163243, ClinGen allele CA350407208.